The following is an entry in ClinVar:

ClinVar aggregate classification (germline): Uncertain significance. Review status: criteria provided, multiple submitters, no conflicts (2 of 4 stars). 3 submissions from 3 submitters: Uncertain significance (3). Last evaluated 2025-11-20.

Allele frequency attached by ClinVar (database versions not stated): gnomAD exomes 0.00004; TOPMed 0.00004; ExAC 0.00020.

Submissions (3):

Ambry Genetics
Classification: Uncertain significance. Last evaluated: 2025-11-20. Review status: criteria provided, single submitter. Criteria: Ambry Variant Classification Scheme 2023. Collection method: clinical testing. Allele origin: germline.

Blueprint Genetics
Classification: Uncertain significance. Last evaluated: 2024-11-20. Review status: criteria provided, single submitter. Criteria: ACMG Guidelines, 2015. Collection method: clinical testing. Allele origin: germline.

Labcorp Genetics (formerly Invitae), Labcorp
Classification: Uncertain significance. Last evaluated: 2024-10-15. Review status: criteria provided, single submitter. Criteria: Invitae Variant Classification Sherloc (09022015). Collection method: clinical testing. Allele origin: germline.
Comment: This sequence change replaces arginine, which is basic and polar, with cysteine, which is neutral and slightly polar, at codon 110 of the RAX2 protein (p.Arg110Cys). The frequency data for this variant in the population databases is considered unreliable, as metrics indicate poor data quality at this position in the gnomAD database. This missense change has been observed in individual(s) with clinical features of RAX2-related conditions (internal data). ClinVar contains an entry for this variant (Variation ID: 1053187). An algorithm developed to predict the effect of missense changes on protein structure and function outputs the following: PolyPhen-2: "Benign". The cysteine amino acid residue is found in multiple mammalian species, which suggests that this missense change does not adversely affect protein function. In summary, the available evidence is currently insufficient to determine the role of this variant in disease. Therefore, it has been classified as a Variant of Uncertain Significance.

NM_001319074.4(RAX2):c.328C>T (p.Arg110Cys)

Gene: RAX2 (retina and anterior neural fold homeobox 2; minus strand). Cytogenetic location: 19p13.3.
Variant type: single nucleotide variant.
Coding change: c.328C>T on transcript NM_001319074.4 (MANE Select); coding-DNA position 328, C replaced by T.
Protein change: p.Arg110Cys; replaces arginine 110 with cysteine.
Molecular consequence: missense variant.
Genome position (GRCh38, 1-based): chr19:3,770,848, G>A on the plus strand (C>T on the coding strand, the complement: RAX2 is on the minus strand). VCF-style: chr19-3770848-G-A. GRCh37 (hg19) VCF-style: chr19-3770846-G-A.
Other names: c.328C>T (NM_032753.3); c.328C>T, p.Arg110Cys (NM_032753.4); short protein forms R110C.
Identifiers: ClinVar variation 1053187 (VCV001053187.9), dbSNP rs777949969, ClinGen allele CA9085045.